The following is an entry in ClinVar:

ClinVar aggregate classification (germline): Conflicting classifications of pathogenicity. Review status: criteria provided, conflicting classifications (1 of 4 stars). 3 submissions from 3 submitters: Uncertain significance (2); Likely benign (1). Last evaluated 2025-12-09.

Conditions:
Treacher Collins syndrome 1 (TCS1). Also called: TCOF1-Related Treacher Collins Syndrome. Identifiers: Orphanet 861, MedGen CN315775, MONDO:0007944, OMIM 154500.
Inborn genetic diseases. Identifiers: MedGen C0950123, MeSH D030342.

gnomAD v4.1: 1 of 1,614,148 alleles (0.000062%); highest among the groups gnomAD compares: Non-Finnish European, 0.000085%; no homozygotes.

Submissions (3):

Ambry Genetics
Classification: Uncertain significance for Inborn genetic diseases. Last evaluated: 2025-12-09. Review status: criteria provided, single submitter. Criteria: Ambry Variant Classification Scheme 2023. Collection method: clinical testing. Allele origin: germline.

Labcorp Genetics (formerly Invitae), Labcorp
Classification: Uncertain significance for Treacher Collins syndrome 1. Last evaluated: 2024-08-20. Review status: criteria provided, single submitter. Criteria: Invitae Variant Classification Sherloc (09022015). Collection method: clinical testing. Allele origin: germline.
Comment: This sequence change replaces valine, which is neutral and non-polar, with methionine, which is neutral and non-polar, at codon 887 of the TCOF1 protein (p.Val887Met). This variant is not present in population databases (gnomAD no frequency). This variant has not been reported in the literature in individuals affected with TCOF1-related conditions. An algorithm developed to predict the effect of missense changes on protein structure and function outputs the following: PolyPhen-2: "Benign". The methionine amino acid residue is found in multiple mammalian species, which suggests that this missense change does not adversely affect protein function. In summary, the available evidence is currently insufficient to determine the role of this variant in disease. Therefore, it has been classified as a Variant of Uncertain Significance.

Blueprint Genetics
Classification: Likely benign. Last evaluated: 2019-08-30. Review status: criteria provided, single submitter. Criteria: ACMG Guidelines, 2015. Collection method: clinical testing. Allele origin: germline.

NM_001371623.1(TCOF1):c.2659G>A (p.Val887Met)

Gene: TCOF1 (treacle ribosome biogenesis factor 1; plus strand). Cytogenetic location: 5q32.
Variant type: single nucleotide variant.
Coding change: c.2659G>A on transcript NM_001371623.1 (MANE Select); coding-DNA position 2659, G replaced by A.
Protein change: p.Val887Met; replaces valine 887 with methionine.
Molecular consequence: missense variant.
Genome position (GRCh38, 1-based): chr5:150,379,532, G>A. VCF-style: chr5-150379532-G-A. GRCh37 (hg19) VCF-style: chr5-149759095-G-A.
Other names: c.2659G>A (NM_001135243.1); c.2428G>A, p.Val810Met (NM_000356.4, NM_001135245.2); c.2659G>A, p.Val887Met (NM_001008657.3, NM_001135243.2, NM_001135244.2 and 1 more transcripts); short protein forms V887M, V810M.
Identifiers: ClinVar variation 3694935 (VCV003694935.4).